The following is an entry in ClinVar:

NM_000215.4(JAK3):c.1786A>C (p.Ser596Arg)

Gene: JAK3 (Janus kinase 3; minus strand). Cytogenetic location: 19p13.11.
Variant type: single nucleotide variant.
Coding change: c.1786A>C on transcript NM_000215.4 (MANE Select); coding-DNA position 1786, A replaced by C.
Protein change: p.Ser596Arg; replaces serine 596 with arginine.
Molecular consequence: missense variant.
Genome position (GRCh38, 1-based): chr19:17,837,129, T>G on the plus strand (A>C on the coding strand, the complement: JAK3 is on the minus strand). VCF-style: chr19-17837129-T-G. GRCh37 (hg19) VCF-style: chr19-17947938-T-G.
Other names: short protein forms S596R.
Identifiers: ClinVar variation 2761066 (VCV002761066.3), dbSNP rs2514559513, ClinGen allele CA404769066.

ClinVar aggregate classification (germline): Uncertain significance (1 of 4 stars; one submission).

Conditions:
T-B+ severe combined immunodeficiency due to JAK3 deficiency. Also called: SCID, T CELL-NEGATIVE, B CELL-POSITIVE, NK CELL-NEGATIVE; SCID, autosomal recessive, T-negative/B-positive type. Identifiers: Orphanet 35078, MedGen C1833275, MONDO:0010938, OMIM 600802.

Submission:

Labcorp Genetics (formerly Invitae), Labcorp
Classification: Uncertain significance for T-B+ severe combined immunodeficiency due to JAK3 deficiency. Last evaluated: 2023-10-04. Review status: criteria provided, single submitter. Criteria: Invitae Variant Classification Sherloc (09022015). Collection method: clinical testing. Allele origin: germline.
Comment: This sequence change replaces serine, which is neutral and polar, with arginine, which is basic and polar, at codon 596 of the JAK3 protein (p.Ser596Arg). This variant is not present in population databases (gnomAD no frequency). This variant has not been reported in the literature in individuals affected with JAK3-related conditions. An algorithm developed to predict the effect of missense changes on protein structure and function (PolyPhen-2) suggests that this variant is likely to be disruptive. In summary, the available evidence is currently insufficient to determine the role of this variant in disease. Therefore, it has been classified as a Variant of Uncertain Significance.